The following is an entry in ClinVar:

ClinVar aggregate classification (germline): Uncertain significance. Review status: criteria provided, multiple submitters, no conflicts (2 of 4 stars). 3 submissions from 3 submitters: Uncertain significance (3). Last evaluated 2025-11-17.

Conditions:
Familial adenomatous polyposis 1 (FAP1). Also called: POLYPOSIS, ADENOMATOUS INTESTINAL; FAMILIAL ADENOMATOUS POLYPOSIS 1, ATTENUATED. Identifiers: MedGen C2713442, MONDO:0021056, OMIM 175100. Disease mechanism: loss of function.
Hereditary cancer-predisposing syndrome. Also called: Neoplastic Syndromes, Hereditary; Tumor predisposition; Hereditary neoplastic syndrome; Hereditary Cancer Syndrome. Identifiers: Orphanet 140162, MedGen C0027672, MeSH D009386, MONDO:0015356.

Submissions (3):

Labcorp Genetics (formerly Invitae), Labcorp
Classification: Uncertain significance for Familial adenomatous polyposis 1. Last evaluated: 2025-11-17. Review status: criteria provided, single submitter. Criteria: Invitae Variant Classification Sherloc (09022015). Collection method: clinical testing. Allele origin: germline.
Comment: This sequence change replaces isoleucine, which is neutral and non-polar, with arginine, which is basic and polar, at codon 2515 of the APC protein (p.Ile2515Arg). This variant is not present in population databases (gnomAD no frequency). This variant has not been reported in the literature in individuals affected with APC-related conditions. ClinVar contains an entry for this variant (Variation ID: 827111). Invitae Evidence Modeling of protein sequence and biophysical properties (such as structural, functional, and spatial information, amino acid conservation, physicochemical variation, residue mobility, and thermodynamic stability) indicates that this missense variant is not expected to disrupt APC protein function with a negative predictive value of 95%. In summary, the available evidence is currently insufficient to determine the role of this variant in disease. Therefore, it has been classified as a Variant of Uncertain Significance.

GeneDx
Classification: Uncertain significance. Last evaluated: 2023-11-12. Review status: criteria provided, single submitter. Criteria: GeneDx Variant Classification Process June 2021. Collection method: clinical testing. Allele origin: germline. Affected: yes.
Comment: Not observed at significant frequency in large population cohorts (gnomAD); In silico analysis supports that this missense variant does not alter protein structure/function; Not observed in any biliary tract cancer cases, but was observed in unaffected/cancer-free controls (PMID: 36243179); This variant is associated with the following publications: (PMID: 36243179)

Ambry Genetics
Classification: Uncertain significance for Hereditary cancer-predisposing syndrome. Last evaluated: 2019-10-22. Review status: criteria provided, single submitter. Criteria: Ambry Variant Classification Scheme 2023. Collection method: clinical testing. Allele origin: germline.
Comment: The p.I2515R variant (also known as c.7544T>G), located in coding exon 15 of the APC gene, results from a T to G substitution at nucleotide position 7544. The isoleucine at codon 2515 is replaced by arginine, an amino acid with similar properties. This amino acid position is not well conserved in available vertebrate species. In addition, in silico predictors for this gene do not accurately predict pathogenicity. Since supporting evidence is limited at this time, the clinical significance of this alteration remains unclear.

NM_000038.6(APC):c.7544T>G (p.Ile2515Arg)

Gene: APC (APC regulator of Wnt signaling pathway; plus strand). Cytogenetic location: 5q22.2.
Variant type: single nucleotide variant.
Coding change: c.7544T>G on transcript NM_000038.6 (MANE Select); coding-DNA position 7544, T replaced by G.
Protein change: p.Ile2515Arg; replaces isoleucine 2515 with arginine.
Molecular consequence: missense variant.
Genome position (GRCh38, 1-based): chr5:112,843,138, T>G. VCF-style: chr5-112843138-T-G. GRCh37 (hg19) VCF-style: chr5-112178835-T-G.
Other names: c.7544T>G, p.Ile2515Arg (NM_001127510.3, NM_001354895.2); c.7490T>G, p.Ile2497Arg (NM_001127511.3); c.7598T>G, p.Ile2533Arg (NM_001354896.2); c.7574T>G, p.Ile2525Arg (NM_001354897.2); c.7469T>G, p.Ile2490Arg (NM_001354898.2); c.7460T>G, p.Ile2487Arg (NM_001354899.2); c.7421T>G, p.Ile2474Arg (NM_001354900.2); c.7367T>G, p.Ile2456Arg (NM_001354901.2); and 5 more; short protein forms I2355R, I2389R, I2456R, I2490R, I2414R, I2487R, I2497R, I2232R.
Identifiers: ClinVar variation 827111 (VCV000827111.11), dbSNP rs1580683905, ClinGen allele CA16037728.